The following is an entry in ClinVar:

ClinVar aggregate classification (germline): Conflicting classifications of pathogenicity. Review status: criteria provided, conflicting classifications (1 of 4 stars). 2 submissions from 2 submitters: Uncertain significance (1); Likely benign (1). Last evaluated 2025-12-29.

Conditions:
Immunodeficiency, common variable, 7. Identifiers: Orphanet 1572, Orphanet 696894, MedGen C3542922, MONDO:0013862, OMIM 614699.

Allele frequency attached by ClinVar (database versions not stated): ExAC 0.00022; gnomAD 0.00006 and 0.00005; gnomAD exomes 0.00012 and 0.00019; TOPMed 0.00005; ESP Exome Variant Server 0.00015.
gnomAD v4.1: 178 of 1,613,268 alleles (0.011%); highest among the groups gnomAD compares: Admixed American, 0.075%; 1 homozygote.

Submissions (2):

Labcorp Genetics (formerly Invitae), Labcorp
Classification: Likely benign for Immunodeficiency, common variable, 7. Last evaluated: 2025-12-29. Review status: criteria provided, single submitter. Criteria: Invitae Variant Classification Sherloc (09022015). Collection method: clinical testing. Allele origin: germline.

Baylor Genetics
Classification: Uncertain significance for Immunodeficiency, common variable, 7. Last evaluated: 2018-11-03. Review status: criteria provided, single submitter. Criteria: ACMG Guidelines, 2015. Collection method: clinical testing. Allele origin: unknown. Affected: yes.
Comment: This variant was determined to be of uncertain significance according to ACMG Guidelines, 2015 [PMID:25741868].

NM_001006658.3(CR2):c.818-4C>T

Genes: CR2 (complement C3d receptor 2; plus strand), LOC126805994 (BRD4-independent group 4 enhancer GRCh37_chr1:207642622-207643821; plus strand). Cytogenetic location: 1q32.2.
Variant type: single nucleotide variant.
Coding change: c.818-4C>T on transcript NM_001006658.3 (MANE Select); 4 bases into the intron before coding-DNA position 818, C replaced by T.
Molecular consequence: intron variant.
Genome position (GRCh38, 1-based): chr1:207,469,691, C>T. VCF-style: chr1-207469691-C-T. GRCh37 (hg19) VCF-style: chr1-207643036-C-T.
Other names: c.818-4C>T (NM_001877.5).
Identifiers: ClinVar variation 636387 (VCV000636387.12), dbSNP rs370106455, ClinGen allele CA1368560.